The following is an entry in ClinVar:

NM_080680.3(COL11A2):c.664G>A (p.Glu222Lys)

Gene: COL11A2 (collagen type XI alpha 2 chain; minus strand). Cytogenetic location: 6p21.32.
Variant type: single nucleotide variant.
Coding change: c.664G>A on transcript NM_080680.3 (MANE Select); coding-DNA position 664, G replaced by A.
Protein change: p.Glu222Lys; replaces glutamic acid 222 with lysine.
Molecular consequence: missense variant. On other transcripts: 5 prime UTR variant (3), non-coding transcript variant (1).
Genome position (GRCh38, 1-based): chr6:33,186,761, C>T on the plus strand (G>A on the coding strand, the complement: COL11A2 is on the minus strand). VCF-style: chr6-33186761-C-T. GRCh37 (hg19) VCF-style: chr6-33154538-C-T.
Other names: c.664G>A, p.Glu222Lys (NM_001163771.2, NM_001424108.1, NM_080679.3 and 1 more transcripts); c.-183G>A (NM_001424109.1, NM_001424110.1, NM_001424111.1); short protein forms E222K.
Identifiers: ClinVar variation 3901326 (VCV003901326.1).
Genomic context (GRCh38, chr6:33,186,761, plus strand): 5'-GAGGCTGTTGGTTTTGGGGTCTTTCCCTCTGGCCCCCCTCGCATTCCAGCTCCTTCTGTT[C>T]ACATGATTCATAGGCTGCCTGGACCCCTGGGACAATGGCCAGCTCCTGGACATCACCCTG-3'
Protein context (NP_542411.2, residues 212-232): PGVQAAYESC[Glu222Lys]QKELECEGGQ

ClinVar aggregate classification (germline): Uncertain significance (1 of 4 stars; one submission).

Submission:

GeneDx
Classification: Uncertain significance. Last evaluated: 2024-12-03. Review status: criteria provided, single submitter. Criteria: GeneDx Variant Classification Process June 2021. Collection method: clinical testing. Allele origin: germline. Affected: yes.
Comment: Not observed at significant frequency in large population cohorts (gnomAD); In silico analysis supports that this missense variant has a deleterious effect on protein structure/function; Has not been previously published as pathogenic or benign to our knowledge